The following is an entry in ClinVar:

NM_182943.3(PLOD2):c.532C>T (p.Arg178Cys)

Gene: PLOD2 (procollagen-lysine,2-oxoglutarate 5-dioxygenase 2; minus strand). Cytogenetic location: 3q24.
Variant type: single nucleotide variant.
Coding change: c.532C>T on transcript NM_182943.3 (MANE Select); coding-DNA position 532, C replaced by T.
Protein change: p.Arg178Cys; replaces arginine 178 with cysteine.
Molecular consequence: missense variant.
Genome position (GRCh38, 1-based): chr3:146,106,615, G>A on the plus strand (C>T on the coding strand, the complement: PLOD2 is on the minus strand). VCF-style: chr3-146106615-G-A. GRCh37 (hg19) VCF-style: chr3-145824402-G-A.
Other names: c.532C>T (NM_182943.2); c.532C>T, p.Arg178Cys (NM_000935.3); short protein forms R178C.
Identifiers: ClinVar variation 902769 (VCV000902769.15), dbSNP rs557891596, ClinGen allele CA2655208.

ClinVar aggregate classification (germline): Benign/Likely benign. Review status: criteria provided, multiple submitters, no conflicts (2 of 4 stars). 5 submissions from 5 submitters: Benign (3); Likely benign (1). 1 of the submissions does not count toward it. Last evaluated 2026-01-26.

Conditions:
PLOD2-related disorder. Also called: PLOD2-related condition.
Bruck syndrome 2 (BRKS2). Also called: OSTEOGENESIS IMPERFECTA WITH CONGENITAL JOINT CONTRACTURES. Identifiers: Orphanet 2771, MedGen C1836602, MONDO:0012217, OMIM 609220.

Allele frequency attached by ClinVar (database versions not stated): gnomAD 0.00001 and 0.00030; TOPMed 0.00006; gnomAD exomes 0.00063 and 0.00143; 1000 Genomes Project 0.00160; ExAC 0.00160; 1000 Genomes Project 30x 0.00172.
gnomAD v4.1: 944 of 1,584,136 alleles (0.06%); highest among the groups gnomAD compares: South Asian, 0.98%; 8 homozygotes.

Submissions (5):

Labcorp Genetics (formerly Invitae), Labcorp
Classification: Benign. Last evaluated: 2026-01-26. Review status: criteria provided, single submitter. Criteria: Invitae Variant Classification Sherloc (09022015). Collection method: clinical testing. Allele origin: germline.

Blueprint Genetics
Classification: Likely benign. Last evaluated: 2024-11-06. Review status: criteria provided, single submitter. Criteria: ACMG Guidelines, 2015. Collection method: clinical testing. Allele origin: germline.

GeneDx
Classification: Benign. Last evaluated: 2019-07-02. Review status: criteria provided, single submitter. Criteria: GeneDx Variant Classification Process June 2021. Collection method: clinical testing. Allele origin: germline. Affected: yes.

Illumina Laboratory Services, Illumina
Classification: Benign for Bruck syndrome 2. Last evaluated: 2018-01-12. Review status: criteria provided, single submitter. Criteria: ICSL Variant Classification Criteria 13 December 2019. Collection method: clinical testing. Allele origin: germline.
Comment: This variant was observed in the ICSL laboratory as part of a predisposition screen in an ostensibly healthy population. It had not been previously curated by ICSL or reported in the Human Gene Mutation Database (HGMD: prior to June 1st, 2018), and was therefore a candidate for classification through an automated scoring system. Utilizing variant allele frequency, disease prevalence and penetrance estimates, and inheritance mode, an automated score was calculated to assess if this variant is too frequent to cause the disease. Based on the score and internal cut-off values, a variant classified as benign is not then subjected to further curation. The score for this variant resulted in a classification of benign for this disease.

PreventionGenetics, part of Exact Sciences
Classification: Benign for PLOD2-related condition. Last evaluated: 2020-03-16. Review status: no assertion criteria provided. Collection method: clinical testing. Allele origin: germline. Not counted in ClinVar's aggregate classification.
Comment: This variant is classified as benign based on ACMG/AMP sequence variant interpretation guidelines (Richards et al. 2015 PMID: 25741868, with internal and published modifications).